The following is an entry in ClinVar:

NM_030777.4(SLC2A10):c.995T>C (p.Val332Ala)

Gene: SLC2A10 (solute carrier family 2 member 10; plus strand). Cytogenetic location: 20q13.12.
Variant type: single nucleotide variant.
Coding change: c.995T>C on transcript NM_030777.4 (MANE Select); coding-DNA position 995, T replaced by C.
Protein change: p.Val332Ala; replaces valine 332 with alanine.
Molecular consequence: missense variant.
Genome position (GRCh38, 1-based): chr20:46,726,031, T>C. VCF-style: chr20-46726031-T-C. GRCh37 (hg19) VCF-style: chr20-45354670-T-C.
Other names: p.V332A:GTG>GCG; short protein forms V332A.
Identifiers: ClinVar variation 213749 (VCV000213749.8), dbSNP rs570363463, ClinGen allele CA323863.
Genomic context (GRCh38, chr20:46,726,031, plus strand): 5'-GTGGCATAGGCCTCGTCAGCTTTGCCGTGCCCATGGACTCAGGCCCAAGCTGTCTGGCTG[T>C]GCCCAATGCCACCGGGCAGACAGGCCTCCCTGGAGACTCTGGCCTGCTGCAGGACTCCTC-3'
Protein context (NP_110404.1, residues 322-342): PMDSGPSCLA[Val332Ala]PNATGQTGLP

ClinVar aggregate classification (germline): Uncertain significance. Review status: criteria provided, multiple submitters, no conflicts (2 of 4 stars). 2 submissions from 2 submitters: Uncertain significance (2). Last evaluated 2022-09-07.

Conditions:
Arterial tortuosity syndrome (ATORS). Identifiers: Orphanet 3342, MedGen C1859726, MONDO:0008818, OMIM 208050.

Allele frequency attached by ClinVar (database versions not stated): TOPMed below 0.00001; ExAC 0.00001; gnomAD 0.00001; gnomAD exomes 0.00001.
gnomAD v4.1: 20 of 1,614,130 alleles (0.0012%); highest among the groups gnomAD compares: Middle Eastern, 0.016%; no homozygotes.

Submissions (2):

Labcorp Genetics (formerly Invitae), Labcorp
Classification: Uncertain significance for Arterial tortuosity syndrome. Last evaluated: 2022-09-07. Review status: criteria provided, single submitter. Criteria: Invitae Variant Classification Sherloc (09022015). Collection method: clinical testing. Allele origin: germline.
Comment: This sequence change replaces valine, which is neutral and non-polar, with alanine, which is neutral and non-polar, at codon 332 of the SLC2A10 protein (p.Val332Ala). This variant is present in population databases (rs570363463, gnomAD 0.003%). This variant has not been reported in the literature in individuals affected with SLC2A10-related conditions. ClinVar contains an entry for this variant (Variation ID: 213749). Advanced modeling of protein sequence and biophysical properties (such as structural, functional, and spatial information, amino acid conservation, physicochemical variation, residue mobility, and thermodynamic stability) performed at Invitae indicates that this missense variant is not expected to disrupt SLC2A10 protein function. In summary, the available evidence is currently insufficient to determine the role of this variant in disease. Therefore, it has been classified as a Variant of Uncertain Significance.

GeneDx
Classification: Uncertain significance. Last evaluated: 2014-09-11. Review status: criteria provided, single submitter. Criteria: GeneDx Variant Classification (06012015). Collection method: clinical testing. Allele origin: germline. Affected: yes.
Comment: p.Val332Ala (GTG>GCG): c.995 T>C in exon 2 of the SLC2A10 gene (NM_030777.3). A variant of unknown significance has been identified in the SLC2A10 gene. The V332A variant has not been published as a mutation, nor has it been reported as a benign polymorphism to our knowledge. The V332A variant was not observed in approximately 6,500 individuals of European and African American ancestry in the NHLBI Exome Sequencing Project, indicating it is not a common benign variant in these populations. However, the V332A variant is a conservative amino acid substitution, which is not likely to impact secondary protein structure as these residues share similar properties. This substitution occurs at a position that is not conserved across species. In silico analysis predicts this variant likely does not alter the protein structure/function. Furthermore, no missense mutations in nearby residues have been reported in association with ATS, indicating this region of the protein may be tolerant of change. Therefore, based on the currently available information, it is unclear whether this variant is a pathogenic mutation or a rare benign variant. This variant was found in TAAD